The following is an entry in ClinVar:

NM_001367624.2(ZNF469):c.6590C>A (p.Pro2197Gln)

Gene: ZNF469 (zinc finger protein 469; plus strand). Cytogenetic location: 16q24.2.
Variant type: single nucleotide variant.
Coding change: c.6590C>A on transcript NM_001367624.2 (MANE Select); coding-DNA position 6590, C replaced by A.
Protein change: p.Pro2197Gln; replaces proline 2197 with glutamine.
Molecular consequence: missense variant.
Genome position (GRCh38, 1-based): chr16:88,434,060, C>A. VCF-style: chr16-88434060-C-A. GRCh37 (hg19) VCF-style: chr16-88500468-C-A.
Other names: NM_001127464.1:c.6506C>A; short protein forms P2197Q.
Identifiers: ClinVar variation 5032252 (VCV005032252.1).
Genomic context (GRCh38, chr16:88,434,060, plus strand): 5'-AGGCAGATGGCGTCCAAGCCACGACAGATACTGGGGCTGAGGATTCCCCGGTGGCTCCCC[C>A]GTCTTTGACAACAAGCCCCTGCGATCCCAAGGAAGCCCTGGCTGGTTGCCTTCTCCAGGG-3'
Protein context (NP_001354553.1, residues 2187-2207): TGAEDSPVAP[Pro2197Gln]SLTTSPCDPK

ClinVar aggregate classification (germline): Uncertain significance (1 of 4 stars; one submission).

Conditions:
Cardiovascular phenotype. Identifiers: MedGen CN230736.

Submission:

Ambry Genetics
Classification: Uncertain significance for Cardiovascular phenotype. Last evaluated: 2026-08-16. Review status: criteria provided, single submitter. Criteria: Ambry Variant Classification Scheme 2023. Collection method: clinical testing. Allele origin: germline.
Comment: The p.P2169Q variant (also known as c.6506C>A), located in coding exon 2 of the ZNF469 gene, results from a C to A substitution at nucleotide position 6506. The proline at codon 2169 is replaced by glutamine, an amino acid with similar properties. This amino acid position is conserved. In addition, this alteration is predicted to be tolerated by in silico analysis. Based on the available evidence, the clinical significance of this variant remains unclear.